The following is an entry in ClinVar:

NM_000038.6(APC):c.4213G>C (p.Val1405Leu)

Gene: APC (APC regulator of Wnt signaling pathway; plus strand). Cytogenetic location: 5q22.2.
Variant type: single nucleotide variant.
Coding change: c.4213G>C on transcript NM_000038.6 (MANE Select); coding-DNA position 4213, G replaced by C.
Protein change: p.Val1405Leu; replaces valine 1405 with leucine.
Molecular consequence: missense variant.
Genome position (GRCh38, 1-based): chr5:112,839,807, G>C. VCF-style: chr5-112839807-G-C. GRCh37 (hg19) VCF-style: chr5-112175504-G-C.
Other names: c.4213G>C, p.Val1405Leu (NM_001127510.3, NM_001354895.2, NM_001407450.1); c.4159G>C, p.Val1387Leu (NM_001127511.3); c.4267G>C, p.Val1423Leu (NM_001354896.2, NM_001407447.1, NM_001407448.1 and 1 more transcripts); c.4243G>C, p.Val1415Leu (NM_001354897.2); c.4138G>C, p.Val1380Leu (NM_001354898.2); c.4129G>C, p.Val1377Leu (NM_001354899.2); c.4090G>C, p.Val1364Leu (NM_001354900.2); c.4036G>C, p.Val1346Leu (NM_001354901.2, NM_001407453.1); and 11 more; short protein forms V1245L, V1276L, V1279L, V1304L, V1387L, V1423L, V1433L, V1021L.
Identifiers: ClinVar variation 1738768 (VCV001738768.8), dbSNP rs761966904, ClinGen allele CA16030561.

ClinVar aggregate classification (germline): Uncertain significance. Review status: criteria provided, multiple submitters, no conflicts (2 of 4 stars). 3 submissions from 3 submitters: Uncertain significance (3). Last evaluated 2024-08-12.

Conditions:
Hereditary cancer-predisposing syndrome. Also called: Hereditary Cancer Syndrome; Hereditary neoplastic syndrome; Neoplastic Syndromes, Hereditary; Tumor predisposition. Identifiers: Orphanet 140162, MedGen C0027672, MeSH D009386, MONDO:0015356.
Familial adenomatous polyposis 1 (FAP1). Also called: FAMILIAL ADENOMATOUS POLYPOSIS 1, ATTENUATED; POLYPOSIS, ADENOMATOUS INTESTINAL. Identifiers: MedGen C2713442, MONDO:0021056, OMIM 175100. Disease mechanism: loss of function.

gnomAD v4.1: 1 of 1,614,004 alleles (0.000062%); highest among the groups gnomAD compares: Non-Finnish European, 0.000085%; no homozygotes.

Submissions (3):

Color Diagnostics, LLC DBA Color Health
Classification: Uncertain significance for Hereditary cancer-predisposing syndrome. Last evaluated: 2024-08-12. Review status: criteria provided, single submitter. Criteria: ACMG Guidelines, 2015. Collection method: clinical testing. Allele origin: germline.
Comment: This missense variant replaces valine with leucine at codon 1405 of the APC protein. Computational prediction suggests that this variant may not impact protein structure and function (internally defined REVEL score threshold <= 0.5, PMID: 27666373). To our knowledge, functional studies have not been reported for this variant. This variant has not been reported in individuals affected with APC-related disorders in the literature. This variant has not been identified in the general population by the Genome Aggregation Database (gnomAD). The available evidence is insufficient to determine the role of this variant in disease conclusively. Therefore, this variant is classified as a Variant of Uncertain Significance.

Labcorp Genetics (formerly Invitae), Labcorp
Classification: Uncertain significance for Familial adenomatous polyposis 1. Last evaluated: 2024-03-13. Review status: criteria provided, single submitter. Criteria: Invitae Variant Classification Sherloc (09022015). Collection method: clinical testing. Allele origin: germline.
Comment: This sequence change replaces valine, which is neutral and non-polar, with leucine, which is neutral and non-polar, at codon 1405 of the APC protein (p.Val1405Leu). This variant is not present in population databases (gnomAD no frequency). This variant has not been reported in the literature in individuals affected with APC-related conditions. ClinVar contains an entry for this variant (Variation ID: 1738768). Advanced modeling of protein sequence and biophysical properties (such as structural, functional, and spatial information, amino acid conservation, physicochemical variation, residue mobility, and thermodynamic stability) performed at Invitae indicates that this missense variant is not expected to disrupt APC protein function with a negative predictive value of 95%. In summary, the available evidence is currently insufficient to determine the role of this variant in disease. Therefore, it has been classified as a Variant of Uncertain Significance.

Ambry Genetics
Classification: Uncertain significance for Hereditary cancer-predisposing syndrome. Last evaluated: 2021-07-04. Review status: criteria provided, single submitter. Criteria: Ambry Variant Classification Scheme 2023. Collection method: clinical testing. Allele origin: germline.
Comment: The p.V1405L variant (also known as c.4213G>C), located in coding exon 15 of the APC gene, results from a G to C substitution at nucleotide position 4213. The valine at codon 1405 is replaced by leucine, an amino acid with highly similar properties. This amino acid position is well conserved in available vertebrate species. In addition, in silico predictors for this gene do not accurately predict pathogenicity. Since supporting evidence is limited at this time, the clinical significance of this alteration remains unclear.